The following is an entry in ClinVar:

ClinVar aggregate classification (germline): Uncertain significance (1 of 4 stars; one submission).

Conditions:
Inborn genetic diseases. Identifiers: MedGen C0950123, MeSH D030342.

Allele frequency attached by ClinVar (database versions not stated): gnomAD exomes below 0.00001.
gnomAD v4.1: 1 of 1,578,644 alleles (0.000063%); highest among the groups gnomAD compares: East Asian, 0.0022%; no homozygotes.

Submission:

Ambry Genetics
Classification: Uncertain significance for Inborn genetic diseases. Last evaluated: 2023-07-26. Review status: criteria provided, single submitter. Criteria: Ambry Variant Classification Scheme 2023. Collection method: clinical testing. Allele origin: germline.
Comment: The p.M732V variant (also known as c.2194A>G), located in coding exon 14 of the PIK3CA gene, results from an A to G substitution at nucleotide position 2194. The methionine at codon 732 is replaced by valine, an amino acid with highly similar properties. This amino acid position is conserved. In addition, the in silico prediction for this alteration is inconclusive. Since supporting evidence is limited at this time, the clinical significance of this alteration remains unclear.

NM_006218.4(PIK3CA):c.2194A>G (p.Met732Val)

Gene: PIK3CA (phosphatidylinositol-4,5-bisphosphate 3-kinase catalytic subunit alpha; plus strand). Cytogenetic location: 3q26.32.
Variant type: single nucleotide variant.
Coding change: c.2194A>G on transcript NM_006218.4 (MANE Select); coding-DNA position 2194, A replaced by G.
Protein change: p.Met732Val; replaces methionine 732 with valine.
Molecular consequence: missense variant.
Genome position (GRCh38, 1-based): chr3:179,224,087, A>G. VCF-style: chr3-179224087-A-G. GRCh37 (hg19) VCF-style: chr3-178941875-A-G.
Other names: short protein forms M732V.
Identifiers: ClinVar variation 2587510 (VCV002587510.2), dbSNP rs2473536065, ClinGen allele CA355269987.